The following is an entry in ClinVar:

NM_006904.7(PRKDC):c.3256T>C (p.Tyr1086His)

Gene: PRKDC (protein kinase, DNA-activated, catalytic subunit; minus strand). Cytogenetic location: 8q11.21.
Variant type: single nucleotide variant.
Coding change: c.3256T>C on transcript NM_006904.7 (MANE Select); coding-DNA position 3256, T replaced by C.
Protein change: p.Tyr1086His; replaces tyrosine 1086 with histidine.
Molecular consequence: missense variant.
Genome position (GRCh38, 1-based): chr8:47,902,582, A>G on the plus strand (T>C on the coding strand, the complement: PRKDC is on the minus strand). VCF-style: chr8-47902582-A-G. GRCh37 (hg19) VCF-style: chr8-48815142-A-G.
Other names: c.3256T>C, p.Tyr1086His (NM_001081640.2); short protein forms Y1086H.
Identifiers: ClinVar variation 422582 (VCV000422582.8), dbSNP rs1030128713, ClinGen allele CA16618647.
Genomic context (GRCh38, chr8:47,902,582, plus strand): 5'-CCTTTCAAAACCACAAGTTTCTCTTCTCTGTTGTGTAGCTTACAAACCTGAATTCCCTGT[A>G]GATATTATTAAAGGCAAGTGATGCTCCCAGCCTCTTGAAAGCATTGGGGTGAAGCGCAAG-3'
Protein context (NP_008835.5, residues 1076-1096): LGASLAFNNI[Tyr1086His]REFREEESLV

ClinVar aggregate classification (germline): Uncertain significance. Review status: criteria provided, multiple submitters, no conflicts (2 of 4 stars). 3 submissions from 3 submitters: Uncertain significance (3). Last evaluated 2024-05-17.

Conditions:
Severe combined immunodeficiency due to DNA-PKcs deficiency. Also called: IMMUNODEFICIENCY 26 WITH NEUROLOGIC ABNORMALITIES; Immunodeficiency 26 with or without neurologic abnormalities. Identifiers: Orphanet 317425, MedGen C4014833, MONDO:0014423, OMIM 615966.

Allele frequency attached by ClinVar (database versions not stated): gnomAD exomes below 0.00001; TOPMed 0.00001.
gnomAD v4.1: 4 of 1,584,950 alleles (0.00025%); highest among the groups gnomAD compares: East Asian, 0.0067%; no homozygotes.

Submissions (3):

Ambry Genetics
Classification: Uncertain significance. Last evaluated: 2024-05-17. Review status: criteria provided, single submitter. Criteria: Ambry Variant Classification Scheme 2023. Collection method: clinical testing. Allele origin: germline.
Comment: The p.Y1086H variant (also known as c.3256T>C), located in coding exon 27 of the PRKDC gene, results from a T to C substitution at nucleotide position 3256. The tyrosine at codon 1086 is replaced by histidine, an amino acid with similar properties. This amino acid position is conserved. In addition, this alteration is predicted to be deleterious by in silico analysis. Based on the available evidence, the clinical significance of this variant remains unclear.

Labcorp Genetics (formerly Invitae), Labcorp
Classification: Uncertain significance for Severe combined immunodeficiency due to DNA-PKcs deficiency. Last evaluated: 2021-04-29. Review status: criteria provided, single submitter. Criteria: Invitae Variant Classification Sherloc (09022015). Collection method: clinical testing. Allele origin: germline.
Comment: In summary, the available evidence is currently insufficient to determine the role of this variant in disease. Therefore, it has been classified as a Variant of Uncertain Significance. This variant is not present in population databases (ExAC no frequency). This variant has not been reported in the literature in individuals with PRKDC-related conditions. ClinVar contains an entry for this variant (Variation ID: 422582). Experimental studies and prediction algorithms are not available or were not evaluated, and the functional significance of this variant is currently unknown. This sequence change replaces tyrosine with histidine at codon 1086 of the PRKDC protein (p.Tyr1086His). The tyrosine residue is highly conserved and there is a moderate physicochemical difference between tyrosine and histidine.

GeneDx
Classification: Uncertain significance. Last evaluated: 2016-11-01. Review status: criteria provided, single submitter. Criteria: GeneDx Variant Classification (06012015). Collection method: clinical testing. Allele origin: germline. Affected: yes.
Comment: The Y1086H variant in the PRKDC gene has not been reported previously as a pathogenic variant, nor as a benign variant, to our knowledge. The Y1086H variant is not observed in large population cohorts (Lek et al., 2016; 1000 Genomes Consortium et al., 2015; Exome Variant Server).. The Y1086H variant is a non-conservative amino acid substitution, which is likely to impact secondary protein structure as these residues differ in polarity, charge, size and/or other properties. This substitution occurs at a position that is conserved across species. In silico analysis predicts this variant is probably damaging to the protein structure/function. We interpret Y1086H as a variant of uncertain significance.